The following is an entry in ClinVar:

NM_001349338.3(FOXP1):c.289G>A (p.Val97Met)

Gene: FOXP1 (forkhead box P1; minus strand). Cytogenetic location: 3p13.
Variant type: single nucleotide variant.
Coding change: c.289G>A on transcript NM_001349338.3 (MANE Select); coding-DNA position 289, G replaced by A.
Protein change: p.Val97Met; replaces valine 97 with methionine.
Molecular consequence: missense variant. On other transcripts: 5 prime UTR variant (7), non-coding transcript variant (2), intron variant (1).
Genome position (GRCh38, 1-based): chr3:71,053,767, C>T on the plus strand (G>A on the coding strand, the complement: FOXP1 is on the minus strand). VCF-style: chr3-71053767-C-T. GRCh37 (hg19) VCF-style: chr3-71102918-C-T.
Other names: c.289G>A, p.Val97Met (NM_001244808.3, NM_001244810.2, NM_001244814.3 and 4 more transcripts); c.-12G>A (NM_001244813.3, NM_001244815.2, NM_001349337.2 and 4 more transcripts); c.283-6672G>A (NM_001244812.3); c.289G>A (NM_032682.5); short protein forms V97M.
Identifiers: ClinVar variation 1492592 (VCV001492592.7), dbSNP rs148369068, ClinGen allele CA77119198.
Genomic context (GRCh38, chr3:71,053,767, plus strand): 5'-GGAGGATCTGCTGCATTTGCTGGGGAGTGATAACTTGAGGTGTCATCATAGCCACTGACA[C>T]GGGAACCTAGAATGTTAATGAAGGATAAATAGGAAGCCAGGAAATCAGAAGCACGCAGCC-3'
Protein context (NP_001336267.1, residues 87-107): NDKQPALQVP[Val97Met]SVAMMTPQVI

ClinVar aggregate classification (germline): Conflicting classifications of pathogenicity. Review status: criteria provided, conflicting classifications (1 of 4 stars). 2 submissions from 2 submitters: Uncertain significance (1); Likely benign (1). Last evaluated 2025-09-03.

Conditions:
Inborn genetic diseases. Identifiers: MedGen C0950123, MeSH D030342.

Allele frequency attached by ClinVar (database versions not stated): ESP Exome Variant Server 0.00008.
gnomAD v4.1: 9 of 1,613,790 alleles (0.00056%); highest among the groups gnomAD compares: East Asian, 0.0022%; no homozygotes.

Submissions (2):

Labcorp Genetics (formerly Invitae), Labcorp
Classification: Uncertain significance. Last evaluated: 2025-09-03. Review status: criteria provided, single submitter. Criteria: Invitae Variant Classification Sherloc (09022015). Collection method: clinical testing. Allele origin: germline.
Comment: This sequence change replaces valine, which is neutral and non-polar, with methionine, which is neutral and non-polar, at codon 97 of the FOXP1 protein (p.Val97Met). This variant is present in population databases (rs148369068, gnomAD 0.003%). This variant has not been reported in the literature in individuals affected with FOXP1-related conditions. ClinVar contains an entry for this variant (Variation ID: 1492592). Invitae Evidence Modeling of protein sequence and biophysical properties (such as structural, functional, and spatial information, amino acid conservation, physicochemical variation, residue mobility, and thermodynamic stability) indicates that this missense variant is not expected to disrupt FOXP1 protein function with a negative predictive value of 80%. In summary, the available evidence is currently insufficient to determine the role of this variant in disease. Therefore, it has been classified as a Variant of Uncertain Significance.

Ambry Genetics
Classification: Likely benign for Inborn genetic diseases. Last evaluated: 2021-06-30. Review status: criteria provided, single submitter. Criteria: Ambry Variant Classification Scheme 2023. Collection method: clinical testing. Allele origin: germline.